The following is an entry in ClinVar:

NM_004252.5(NHERF1):c.89G>A (p.Gly30Glu)

Genes: NHERF1 (NHERF family PDZ scaffold protein 1; plus strand), SLC9A3R1-AS1 (SLC9A3R1 antisense RNA 1; minus strand). Cytogenetic location: 17q25.1.
Variant type: single nucleotide variant.
Coding change: c.89G>A on transcript NM_004252.5 (MANE Select); coding-DNA position 89, G replaced by A.
Protein change: p.Gly30Glu; replaces glycine 30 with glutamic acid.
Molecular consequence: missense variant.
Genome position (GRCh38, 1-based): chr17:74,748,935, G>A. VCF-style: chr17-74748935-G-A. GRCh37 (hg19) VCF-style: chr17-72745074-G-A.
Other names: c.89G>A (NM_004252.3, NM_004252.4); short protein forms G30E.
Identifiers: ClinVar variation 1048941 (VCV001048941.4), dbSNP rs751217204, ClinGen allele CA8750531.

ClinVar aggregate classification (germline): Uncertain significance. Review status: criteria provided, multiple submitters, no conflicts (2 of 4 stars). 3 submissions from 3 submitters: Uncertain significance (2). 1 of the submissions does not count toward it. Last evaluated 2025-07-31.

Conditions:
NHERF1-related disorder. Also called: NHERF1-related condition.
Inborn genetic diseases. Identifiers: MedGen C0950123, MeSH D030342.

Allele frequency attached by ClinVar (database versions not stated): gnomAD exomes below 0.00001 and 0.00001; gnomAD 0.00001; ExAC 0.00002; TOPMed 0.00002.
gnomAD v4.1: 8 of 1,604,056 alleles (0.0005%); highest among the groups gnomAD compares: African/African-American, 0.0013%; no homozygotes.

Submissions (3):

Ambry Genetics
Classification: Uncertain significance for Inborn genetic diseases. Last evaluated: 2025-07-31. Review status: criteria provided, single submitter. Criteria: Ambry Variant Classification Scheme 2023. Collection method: clinical testing. Allele origin: germline.

PreventionGenetics, part of Exact Sciences
Classification: Uncertain significance for NHERF1-related condition. Last evaluated: 2025-05-28. Review status: criteria provided, single submitter. Criteria: ACMG Guidelines, 2015. Collection method: clinical testing. Allele origin: germline.
Comment: The NHERF1 c.89G>A variant is predicted to result in the amino acid substitution p.Gly30Glu. To our knowledge, this variant has not been reported in the literature. This variant is reported in 0.0034% of alleles in individuals of European (Non-Finnish) descent in gnomAD. At this time, the clinical significance of this variant is uncertain due to the absence of conclusive functional and genetic evidence.

Department of Pathology and Laboratory Medicine, Sinai Health System
Classification: Uncertain significance. Review status: no assertion criteria provided. Collection method: clinical testing. Allele origin: unknown. Affected: yes. Study: The Canadian Open Genetics Repository (COGR). Not counted in ClinVar's aggregate classification.
Comment: The SLC9A3R1 p.Gly30Glu variant was not identified in the literature nor was it identified in ClinVar, Cosmic or LOVD 3.0. The variant was identified in dbSNP (ID: rs751217204) and it was identified in control databases in 4 of 259670 chromosomes at a frequency of 0.000015 (Genome Aggregation Database Feb 27, 2017). The variant was observed in the following populations: European (non-Finnish) in 4 of 117636 chromosomes (freq: 0.000034), while the variant was not observed in the African, Latino, Ashkenazi Jewish, East Asian, European (Finnish), Other and South Asian populations. The variant occurs outside of the splicing consensus sequence and in silico or computational prediction software programs (SpliceSiteFinder, MaxEntScan, NNSPLICE, GeneSplicer) do not predict a difference in splicing. The p.Gly30 residue is conserved in mammals but not in more distantly related organisms, and four out of five computational analyses (PolyPhen-2, SIFT, BLOSUM, MutationTaster) suggest that the G variant may impact the protein; however, this information is not predictive enough to assume pathogenicity. In summary, based on the above information the clinical significance of this variant cannot be determined with certainty at this time. This variant is classified as a variant of uncertain significance.